The following is an entry in ClinVar:

NM_018899.6(PCDHAC2):c.480G>T (p.Ser160=)

Genes: PCDHA1 (protocadherin alpha 1; plus strand), PCDHA10 (protocadherin alpha 10; plus strand), PCDHA11 (protocadherin alpha 11; plus strand), PCDHA12 (protocadherin alpha 12; plus strand), PCDHA13 (protocadherin alpha 13; plus strand) and 11 more. Cytogenetic location: 5q31.3.
Variant type: single nucleotide variant.
Coding change: c.480G>T on transcript NM_018899.6 (MANE Select); coding-DNA position 480, G replaced by T.
Protein change: p.Ser160=; no amino-acid change (serine 160 retained).
Molecular consequence: synonymous variant. On other transcripts: intron variant (17).
Genome position (GRCh38, 1-based): chr5:140,967,246, G>T. VCF-style: chr5-140967246-G-T. GRCh37 (hg19) VCF-style: chr5-140346831-G-T.
Other names: c.480G>T, p.Ser160= (NM_031883.3); c.2395-11703G>T (NM_018900.4, NM_018906.3, NM_018909.4 and 3 more transcripts); c.1603-11703G>T (NM_031411.3, NM_031849.3); c.2389-11703G>T (NM_018905.3, NM_018901.4); c.2386-11703G>T (NM_018907.4); c.2353-11703G>T (NM_018908.3); c.2356-11703G>T (NM_018910.3); c.1600-11703G>T (NM_031860.3); and 3 more.
Identifiers: ClinVar variation 2655803 (VCV002655803.24), dbSNP rs569213693, ClinGen allele CA3454104.

ClinVar aggregate classification (germline): Likely benign (1 of 4 stars; one submission).

Allele frequency attached by ClinVar (database versions not stated): TOPMed 0.00003; gnomAD 0.00007; ExAC 0.00019; 1000 Genomes Project 30x 0.00047; 1000 Genomes Project 0.00060.
gnomAD v4.1: 155 of 1,613,594 alleles (0.0096%); highest among the groups gnomAD compares: South Asian, 0.14%; 2 homozygotes.

Submission:

CeGaT Center for Human Genetics Tuebingen
Classification: Likely benign. Last evaluated: 2023-02-01. Review status: criteria provided, single submitter. Criteria: CeGaT Center For Human Genetics Tuebingen Variant Classification Criteria Version 2. Collection method: clinical testing. Allele origin: germline. Affected: yes. Observed: 1 variant allele.
Comment: PCDHAC2: BP4, BP7